The following is an entry in ClinVar:

ClinVar aggregate classification (germline): Pathogenic. Review status: criteria provided, multiple submitters, no conflicts (2 of 4 stars). 2 submissions from 2 submitters: Pathogenic (2). Last evaluated 2022-08-12.

Conditions:
Anemia, nonspherocytic hemolytic, due to G6PD deficiency (CNSHA1). Also called: Hemolytic anemia due to G6PD deficiency; Class I glucose-6-phosphate dehydrogenase deficiency; Favism, susceptibility to; ANEMIA, CONGENITAL, NONSPHEROCYTIC HEMOLYTIC, 1. Identifiers: Orphanet 466026, MedGen C2720289, MONDO:0010480, OMIM 300908.

Submissions (2):

Dunham Lab, University of Washington
Classification: Pathogenic for Anemia, nonspherocytic hemolytic, due to G6PD deficiency. Last evaluated: 2022-08-12. Review status: criteria provided, single submitter. Criteria: Bayesian ACMG Guidelines, 2018. Collection method: curation. Allele origin: de novo. Affected: yes.
Comment: No detectable activity in red blood cells (PS3). Within NADP structural site (PM1). Predicted to be deleterious by SIFT and PolyPhen (PP3). Not found in gnomAD (PM2). Post_P 0.999 (odds of pathogenicity 6568, Prior_P 0.1).

ARUP Laboratories, Molecular Genetics and Genomics, ARUP Laboratories
Classification: Pathogenic. Last evaluated: 2018-07-24. Review status: criteria provided, single submitter. Criteria: ARUP Molecular Germline Variant Investigation Process. Collection method: clinical testing. Allele origin: germline.
Comment: The G6PD c.1465C>T; p.Pro489Ser variant is reported in the literature in at least one individual affected with severe G6PD deficiency and anemia (Minucci 2008). This variant is absent from general population databases (1000 Genomes Project, Exome Variant Server, and Genome Aggregation Database), indicating it is not a common polymorphism. Additionally, another variant at this codon (c.1466C>T; p.Pro489Leu) has been reported in at least one individual with severe G6PD and is considered a class I variant (Vulliamy 1997). The proline at codon 489 is highly conserved, and computational analyses (SIFT, PolyPhen-2) predict that the p.Pro489Ser variant is deleterious. Based on available information, this variant is considered to be pathogenic. References: Minucci A et al. Glucose-6-phosphate dehydrogenase Buenos Aires: a novel de novo missense mutation associated with severe enzyme deficiency. Clin Biochem. 2008 Jun;41(9):742-5. Vulliamy T et al. Hematologically important mutations: glucose-6-phosphate dehydrogenase. Blood Cells Mol Dis. 1997 Aug;23(2):302-13.

Literature cited by the submitters: PubMed 18086567 (cited by Dunham Lab, University of Washington); PubMed 22293322 (cited by Dunham Lab, University of Washington).

NM_001360016.2(G6PD):c.1465C>T (p.Pro489Ser)

Gene: G6PD (glucose-6-phosphate dehydrogenase; minus strand). Cytogenetic location: Xq28.
Variant type: single nucleotide variant.
Coding change: c.1465C>T on transcript NM_001360016.2 (MANE Select); coding-DNA position 1465, C replaced by T.
Protein change: p.Pro489Ser; replaces proline 489 with serine.
Molecular consequence: missense variant.
Genome position (GRCh38, 1-based): chrX:154,532,083, G>A on the plus strand (C>T on the coding strand, the complement: G6PD is on the minus strand). VCF-style: chrX-154532083-G-A. GRCh37 (hg19) VCF-style: chrX-153760298-G-A.
Other names: G6PD Buenos Aires; c.1555C>T, p.Pro519Ser (NM_000402.4); c.1465C>T, p.Pro489Ser (NM_001042351.3); short protein forms P489S, P519S.
Identifiers: ClinVar variation 811096 (VCV000811096.10), dbSNP rs1603411177, ClinGen allele CA415232136.